The following is an entry in ClinVar:

ClinVar aggregate classification (germline): Likely pathogenic (1 of 4 stars; one submission).

Conditions:
Developmental and epileptic encephalopathy, 1 (DEE1). Also called: INFANTILE SPASM SYNDROME, X-LINKED 1; X-linked infantile spasms; West's syndrome; Tonic spasms with clustering, arrest of psychomotor development and hypsarrhythmia on EEG; X-Linked Infantile Spasm Syndrome; OHTAHARA SYNDROME, X-LINKED. Identifiers: MedGen C3463992, MONDO:0010632, OMIM 308350. Disease mechanism: loss of function.

Submission:

Broad Center for Mendelian Genomics, Broad Institute of MIT and Harvard
Classification: Likely pathogenic for Developmental and epileptic encephalopathy, 1. Last evaluated: 2018-06-15. Review status: criteria provided, single submitter. Criteria: ACMG Guidelines, 2015. Collection method: research. Allele origin: germline. Inheritance: X-linked inheritance. Affected: yes. Observed: 1 hemizygote.
Comment: This variant was absent from large population studies and computational prediction tools suggest that this variant may impact the protein. Loss of function of the ARX gene is an established disease mechanism in X-linked early infantile epileptic encephalopathy, and this is a loss of function variant. In summary, although additional studies are required to fully establish its pathogenicity, this variant is likely pathogenic.

NM_139058.3(ARX):c.84C>A (p.Cys28Ter)

Gene: ARX (aristaless related homeobox; minus strand). Cytogenetic location: Xp21.3.
Variant type: single nucleotide variant.
Coding change: c.84C>A on transcript NM_139058.3 (MANE Select); coding-DNA position 84, C replaced by A.
Protein change: p.Cys28Ter; replaces cysteine 28 with a stop codon.
Molecular consequence: nonsense.
Genome position (GRCh38, 1-based): chrX:25,015,654, G>T on the plus strand (C>A on the coding strand, the complement: ARX is on the minus strand). VCF-style: chrX-25015654-G-T. GRCh37 (hg19) VCF-style: chrX-25033771-G-T.
Other names: short protein forms C28*.
Identifiers: ClinVar variation 635040 (VCV000635040.1), dbSNP rs932485786, ClinGen allele CA412613932.